The following is an entry in ClinVar:

ClinVar aggregate classification (germline): Conflicting classifications of pathogenicity. Review status: criteria provided, conflicting classifications (1 of 4 stars). 6 submissions from 6 submitters: Uncertain significance (1); Benign (1); Likely benign (4). Last evaluated 2026-02-01.

Conditions:
ABCA4-related disorder. Also called: ABCA4-related condition; ABCA4-related disorders. Identifiers: MedGen CN239167.
Retinal dystrophy. Also called: Inherited retinal dystrophy. Identifiers: Orphanet 71862, MedGen C0854723, MeSH D058499, MONDO:0019118, HP:0000556.

Allele frequency attached by ClinVar (database versions not stated): ESP Exome Variant Server 0.00077; 1000 Genomes Project 30x 0.00078; gnomAD 0.00093 and 0.00097; TOPMed 0.00100; gnomAD exomes 0.00116 and 0.00070; 1000 Genomes Project 0.00060; ExAC 0.00070.
gnomAD v4.1: 1,833 of 1,614,132 alleles (0.11%); highest among the groups gnomAD compares: Non-Finnish European, 0.14%; 4 homozygotes.

Submissions (6):

CeGaT Center for Human Genetics Tuebingen
Classification: Likely benign. Last evaluated: 2026-02-01. Review status: criteria provided, single submitter. Criteria: CeGaT Center For Human Genetics Tuebingen Variant Classification Criteria Version 2. Collection method: clinical testing. Allele origin: germline. Affected: yes. Observed: 2 variant alleles.
Comment: ABCA4: BP4, BP7

Labcorp Genetics (formerly Invitae), Labcorp
Classification: Likely benign. Last evaluated: 2026-01-21. Review status: criteria provided, single submitter. Criteria: Invitae Variant Classification Sherloc (09022015). Collection method: clinical testing. Allele origin: germline.

Blueprint Genetics
Classification: Likely benign. Last evaluated: 2024-11-21. Review status: criteria provided, single submitter. Criteria: ACMG Guidelines, 2015. Collection method: clinical testing. Allele origin: germline.

Institute of Human Genetics, Univ. Regensburg, Univ. Regensburg
Classification: Likely benign for Retinal dystrophy. Last evaluated: 2020-01-01. Review status: criteria provided, single submitter. Criteria: ACMG Guidelines, 2015. Collection method: clinical testing. Allele origin: germline. Affected: yes.

Illumina Laboratory Services, Illumina
Classification: Uncertain significance for ABCA4-Related Disorders. Last evaluated: 2017-04-27. Review status: criteria provided, single submitter. Criteria: ICSL Variant Classification Criteria 13 December 2019. Collection method: clinical testing. Allele origin: germline.

GeneDx
Classification: Benign. Last evaluated: 2014-04-09. Review status: criteria provided, single submitter. Criteria: GeneDx Variant Classification (06012015). Collection method: clinical testing. Allele origin: germline. Affected: yes.
Comment: This variant is considered likely benign or benign based on one or more of the following criteria: it is a conservative change, it occurs at a poorly conserved position in the protein, it is predicted to be benign by multiple in silico algorithms, and/or has population frequency not consistent with disease.

Literature cited by the submitters: PubMed 28118664 (cited by Institute of Human Genetics, Univ. Regensburg, Univ. Regensburg).

NM_000350.3(ABCA4):c.1500G>A (p.Arg500=)

Gene: ABCA4 (ATP binding cassette subfamily A member 4; minus strand). Cytogenetic location: 1p22.1.
Variant type: single nucleotide variant.
Coding change: c.1500G>A on transcript NM_000350.3 (MANE Select); coding-DNA position 1500, G replaced by A.
Protein change: p.Arg500=; no amino-acid change (arginine 500 retained).
Molecular consequence: synonymous variant.
Genome position (GRCh38, 1-based): chr1:94,077,744, C>T on the plus strand (G>A on the coding strand, the complement: ABCA4 is on the minus strand). VCF-style: chr1-94077744-C-T. GRCh37 (hg19) VCF-style: chr1-94543300-C-T.
Other names: p.R500R:AGG>AGA; c.1500G>A, p.Arg500= (NM_001425324.1).
Identifiers: ClinVar variation 136238 (VCV000136238.46), dbSNP rs139050119, ClinGen allele CA289214.
Genomic context (GRCh38, chr1:94,077,744, plus strand): 5'-CCTTACCTCCAGGTATTGATTGACCAGGCGGAGGGTGCGATCAGTGATGTTAAATATGTC[C>T]CTCCAGTCGAAGTTGGCCATGTCGTCAGCCTGGCTTTCCCGAGGGCCCTTGTAGAGGAAG-3'
Protein context (NP_000341.2, residues 490-510): QADDMANFDW[Arg500=]DIFNITDRTL